The following is an entry in ClinVar:

ClinVar aggregate classification (germline): Uncertain significance (1 of 4 stars; one submission).

Conditions:
Epileptic encephalopathy. Identifiers: MedGen C0543888, HP:0200134.

Allele frequency attached by ClinVar (database versions not stated): gnomAD exomes 0.00002; TOPMed 0.00004; ESP Exome Variant Server 0.00008.
gnomAD v4.1: 35 of 1,613,816 alleles (0.0022%); highest among the groups gnomAD compares: Middle Eastern, 0.033%; no homozygotes.

Submission:

Labcorp Genetics (formerly Invitae), Labcorp
Classification: Uncertain significance for Epileptic encephalopathy. Last evaluated: 2022-06-04. Review status: criteria provided, single submitter. Criteria: Invitae Variant Classification Sherloc (09022015). Collection method: clinical testing. Allele origin: germline.
Comment: This sequence change replaces asparagine, which is neutral and polar, with aspartic acid, which is acidic and polar, at codon 3443 of the RYR3 protein (p.Asn3443Asp). This variant is present in population databases (rs373622365, gnomAD 0.009%). This variant has not been reported in the literature in individuals affected with RYR3-related conditions. ClinVar contains an entry for this variant (Variation ID: 838297). Algorithms developed to predict the effect of missense changes on protein structure and function output the following: SIFT: "Tolerated"; PolyPhen-2: "Benign"; Align-GVGD: "Class C0". The aspartic acid amino acid residue is found in multiple mammalian species, which suggests that this missense change does not adversely affect protein function. In summary, the available evidence is currently insufficient to determine the role of this variant in disease. Therefore, it has been classified as a Variant of Uncertain Significance.

NM_001036.6(RYR3):c.10327A>G (p.Asn3443Asp)

Gene: RYR3 (ryanodine receptor 3; plus strand). Cytogenetic location: 15q14.
Variant type: single nucleotide variant.
Coding change: c.10327A>G on transcript NM_001036.6 (MANE Select); coding-DNA position 10327, A replaced by G.
Protein change: p.Asn3443Asp; replaces asparagine 3443 with aspartic acid.
Molecular consequence: missense variant.
Genome position (GRCh38, 1-based): chr15:33,812,932, A>G. VCF-style: chr15-33812932-A-G. GRCh37 (hg19) VCF-style: chr15-34105133-A-G.
Other names: c.10312A>G, p.Asn3438Asp (NM_001243996.4); short protein forms N3438D, N3443D.
Identifiers: ClinVar variation 838297 (VCV000838297.7), dbSNP rs373622365, ClinGen allele CA7460805.